The following is an entry in ClinVar:

NM_012062.5(DNM1L):c.10C>A (p.Leu4Ile)

Gene: DNM1L (dynamin 1 like; plus strand). Cytogenetic location: 12p11.21.
Variant type: single nucleotide variant.
Coding change: c.10C>A on transcript NM_012062.5 (MANE Select); coding-DNA position 10, C replaced by A.
Protein change: p.Leu4Ile; replaces leucine 4 with isoleucine.
Molecular consequence: missense variant. On other transcripts: 5 prime UTR variant (1).
Genome position (GRCh38, 1-based): chr12:32,679,373, C>A. VCF-style: chr12-32679373-C-A. GRCh37 (hg19) VCF-style: chr12-32832307-C-A.
Other names: c.10C>A, p.Leu4Ile (NM_001278463.2, NM_001278464.2, NM_001278465.2 and 3 more transcripts); c.-196C>A (NM_001278466.2); c.10C>A (NM_012062.3); short protein forms L4I.
Identifiers: ClinVar variation 2742727 (VCV002742727.4), dbSNP rs1270620589, ClinGen allele CA384359125.

ClinVar aggregate classification (germline): Uncertain significance. Review status: criteria provided, multiple submitters, no conflicts (2 of 4 stars). 2 submissions from 2 submitters: Uncertain significance (2). Last evaluated 2025-10-02.

Conditions:
Inborn genetic diseases. Identifiers: MedGen C0950123, MeSH D030342.

Allele frequency attached by ClinVar (database versions not stated): gnomAD 0.00001; TOPMed 0.00001; gnomAD exomes 0.00001.
gnomAD v4.1: 5 of 1,613,318 alleles (0.00031%); highest among the groups gnomAD compares: Non-Finnish European, 0.00042%; no homozygotes.

Submissions (2):

Labcorp Genetics (formerly Invitae), Labcorp
Classification: Uncertain significance. Last evaluated: 2025-10-02. Review status: criteria provided, single submitter. Criteria: Invitae Variant Classification Sherloc (09022015). Collection method: clinical testing. Allele origin: germline.
Comment: This sequence change replaces leucine, which is neutral and non-polar, with isoleucine, which is neutral and non-polar, at codon 4 of the DNM1L protein (p.Leu4Ile). This variant is present in population databases (no rsID available, gnomAD 0.0009%). This variant has not been reported in the literature in individuals affected with DNM1L-related conditions. ClinVar contains an entry for this variant (Variation ID: 2742727). An algorithm developed to predict the effect of missense changes on protein structure and function (PolyPhen-2) suggests that this variant is likely to be disruptive. In summary, the available evidence is currently insufficient to determine the role of this variant in disease. Therefore, it has been classified as a Variant of Uncertain Significance.

Ambry Genetics
Classification: Uncertain significance for Inborn genetic diseases. Last evaluated: 2025-08-21. Review status: criteria provided, single submitter. Criteria: Ambry Variant Classification Scheme 2023. Collection method: clinical testing. Allele origin: germline.